The following is an entry in ClinVar:

NM_000535.7(PMS2):c.1349A>G (p.Lys450Arg)

Gene: PMS2 (PMS1 homolog 2, mismatch repair system component; minus strand). Cytogenetic location: 7p22.1.
Variant type: single nucleotide variant.
Coding change: c.1349A>G on transcript NM_000535.7 (MANE Select); coding-DNA position 1349, A replaced by G.
Protein change: p.Lys450Arg; replaces lysine 450 with arginine.
Molecular consequence: missense variant. On other transcripts: non-coding transcript variant (1).
Genome position (GRCh38, 1-based): chr7:5,987,416, T>C on the plus strand (A>G on the coding strand, the complement: PMS2 is on the minus strand). VCF-style: chr7-5987416-T-C. GRCh37 (hg19) VCF-style: chr7-6027047-T-C.
Other names: c.944A>G, p.Lys315Arg (NM_001322003.2, NM_001322004.2, NM_001322005.2 and 1 more transcripts); c.1193A>G, p.Lys398Arg (NM_001322006.2); c.1031A>G, p.Lys344Arg (NM_001322007.2, NM_001322008.2); c.788A>G, p.Lys263Arg (NM_001322010.2); c.416A>G, p.Lys139Arg (NM_001322011.2, NM_001322012.2); c.776A>G, p.Lys259Arg (NM_001322013.2); c.1349A>G, p.Lys450Arg (NM_001322014.2); c.1040A>G, p.Lys347Arg (NM_001322015.2); short protein forms K315R, K398R, K259R, K347R, K344R, K139R, K263R, K450R.
Identifiers: ClinVar variation 1046170 (VCV001046170.11), dbSNP rs1783126726, ClinGen allele CA366742283.

ClinVar aggregate classification (germline): Uncertain significance. Review status: criteria provided, multiple submitters, no conflicts (2 of 4 stars). 2 submissions from 2 submitters: Uncertain significance (2). Last evaluated 2021-01-25.

Conditions:
Hereditary cancer-predisposing syndrome. Also called: Hereditary Cancer Syndrome; Tumor predisposition; Hereditary neoplastic syndrome; Neoplastic Syndromes, Hereditary. Identifiers: Orphanet 140162, MedGen C0027672, MeSH D009386, MONDO:0015356.
Hereditary nonpolyposis colorectal neoplasms. Identifiers: MedGen C0009405, MeSH D003123.

Submissions (2):

Ambry Genetics
Classification: Uncertain significance for Hereditary cancer-predisposing syndrome. Last evaluated: 2021-01-25. Review status: criteria provided, single submitter. Criteria: Ambry Variant Classification Scheme 2023. Collection method: clinical testing. Allele origin: germline.
Comment: The p.K450R variant (also known as c.1349A>G), located in coding exon 11 of the PMS2 gene, results from an A to G substitution at nucleotide position 1349. The lysine at codon 450 is replaced by arginine, an amino acid with highly similar properties. This amino acid position is not well conserved in available vertebrate species. In addition, this alteration is predicted to be tolerated by in silico analysis. Since supporting evidence is limited at this time, the clinical significance of this alteration remains unclear.

Labcorp Genetics (formerly Invitae), Labcorp
Classification: Uncertain significance for Hereditary nonpolyposis colorectal neoplasms. Last evaluated: 2020-02-14. Review status: criteria provided, single submitter. Criteria: Invitae Variant Classification Sherloc (09022015). Collection method: clinical testing. Allele origin: germline.
Comment: This sequence change replaces lysine with arginine at codon 450 of the PMS2 protein (p.Lys450Arg). The lysine residue is weakly conserved and there is a small physicochemical difference between lysine and arginine. This variant is not present in population databases (ExAC no frequency). This variant has not been reported in the literature in individuals with PMS2-related conditions. Algorithms developed to predict the effect of missense changes on protein structure and function output the following: SIFT: "Tolerated"; PolyPhen-2: "Benign"; Align-GVGD: "Class C0". The arginine amino acid residue is found in multiple mammalian species, suggesting that this missense change does not adversely affect protein function. These predictions have not been confirmed by published functional studies and their clinical significance is uncertain. In summary, the available evidence is currently insufficient to determine the role of this variant in disease. Therefore, it has been classified as a Variant of Uncertain Significance.